The following is an entry in ClinVar:

ClinVar aggregate classification (germline): Benign (1 of 4 stars; one submission).

Allele frequency attached by ClinVar (database versions not stated): 1000 Genomes Project 30x 0.00406; 1000 Genomes Project 0.00419.
gnomAD v4.1: 18,064 of 1,604,684 alleles (1.1%); highest among the groups gnomAD compares: Middle Eastern, 1.5%; 131 homozygotes.

Submission:

CeGaT Center for Human Genetics Tuebingen
Classification: Benign. Last evaluated: 2023-04-01. Review status: criteria provided, single submitter. Criteria: CeGaT Center For Human Genetics Tuebingen Variant Classification Criteria Version 2. Collection method: clinical testing. Allele origin: germline. Affected: yes. Observed: 9 variant alleles.
Comment: ZNF462: BS1, BS2

NM_021224.6(ZNF462):c.6832+72C>T

Gene: ZNF462 (zinc finger protein 462; plus strand). Cytogenetic location: 9q31.2.
Variant type: single nucleotide variant.
Coding change: c.6832+72C>T on transcript NM_021224.6 (MANE Select); 72 bases into the intron after coding-DNA position 6832, C replaced by T.
Molecular consequence: intron variant.
Genome position (GRCh38, 1-based): chr9:106,974,345, C>T. VCF-style: chr9-106974345-C-T. GRCh37 (hg19) VCF-style: chr9-109736626-C-T.
Other names: c.4237+72C>T (NM_001347997.2).
Identifiers: ClinVar variation 2659403 (VCV002659403.24), dbSNP rs41277831, ClinGen allele CA5172346.